The following is an entry in ClinVar:

NM_000774.5(CYP2F1):c.15dup (p.Thr6fs)

Gene: CYP2F1 (cytochrome P450 family 2 subfamily F member 1; plus strand). Cytogenetic location: 19q13.2.
Variant type: Duplication.
Coding change: c.15dup on transcript NM_000774.5 (MANE Select); coding-DNA position 15, one base duplicated (C; older notation c.15dupC).
Protein change: p.Thr6fs; shifts the reading frame from threonine 6.
Molecular consequence: frameshift variant. On other transcripts: non-coding transcript variant (1).
Genome position (GRCh38, 1-based): chr19:41,116,203, C duplicated. VCF-style (leftmost placement, unchanged base first): chr19-41116202-G-GC. GRCh37 (hg19) VCF-style: chr19-41622107-G-GC.
Other names: NM_000774.3:c.15dupC; p.Thr6HisfsX22; short protein forms T6fs.
Identifiers: ClinVar variation 402583 (VCV000402583.4), dbSNP rs3833221, ClinGen allele CA9456639.

ClinVar aggregate classification (germline): Benign (1 of 4 stars; one submission).

Allele frequency attached by ClinVar (database versions not stated): gnomAD exomes 0.20029 and 0.20787; ExAC 0.21478; ESP Exome Variant Server 0.25555; gnomAD 0.25584 and 0.25960; TOPMed 0.25689; 1000 Genomes Project 0.27196.

Submission:

Laboratory for Molecular Medicine, Mass General Brigham Personalized Medicine
Classification: Benign. Last evaluated: 2016-03-28. Review status: criteria provided, single submitter. Criteria: LMM Criteria. Collection method: clinical testing. Allele origin: germline.
Comment: Variant identified in a genome or exome case(s) and assessed due to predicted null impact of the variant or pathogenic assertions in the literature or databases. Disclaimer: This variant has not undergone full assessment. The following are preliminary notes: Frequency in ESP (all): 3199/12518=25.55%